The following is an entry in ClinVar:

ClinVar aggregate classification (germline): Uncertain significance. Review status: criteria provided, multiple submitters, no conflicts (2 of 4 stars). 2 submissions from 2 submitters: Uncertain significance (2). Last evaluated 2025-02-05.

Conditions:
Medulloblastoma (MDB). Also called: MEDULLOBLASTOMA PREDISPOSITION SYNDROME; Medulloblastoma, somatic. Identifiers: Orphanet 616, MedGen C0025149, MeSH D008527, MONDO:0007959, OMIM 155255, HP:0002885.

Submissions (2):

St. Jude Molecular Pathology, St. Jude Children's Research Hospital
Classification: Uncertain significance for Medulloblastoma. Last evaluated: 2025-02-05. Review status: criteria provided, single submitter. Criteria: St. Jude Assertion Criteria 2020. Collection method: clinical testing. Allele origin: germline.
Comment: The ELP1 c.3100G>A p.(Val1034Met) missense change is absent in gnomAD v2.1.1. The in silico tool REVEL predicts a benign effect on protein function, but to our knowledge this prediction has not been confirmed by functional studies. To our knowledge, this variant has not been reported in individuals with medulloblastoma or familial dysautonomia. In summary, the evidence currently available is insufficient to determine the clinical significance of this variant. It has therefore been classified as of uncertain significance.

Labcorp Genetics (formerly Invitae), Labcorp
Classification: Uncertain significance. Last evaluated: 2024-10-15. Review status: criteria provided, single submitter. Criteria: Invitae Variant Classification Sherloc (09022015). Collection method: clinical testing. Allele origin: germline.
Comment: This sequence change replaces valine, which is neutral and non-polar, with methionine, which is neutral and non-polar, at codon 1034 of the ELP1 protein (p.Val1034Met). This variant is not present in population databases (gnomAD no frequency). This variant has not been reported in the literature in individuals affected with ELP1-related conditions. Invitae Evidence Modeling of protein sequence and biophysical properties (such as structural, functional, and spatial information, amino acid conservation, physicochemical variation, residue mobility, and thermodynamic stability) indicates that this missense variant is not expected to disrupt ELP1 protein function with a negative predictive value of 80%. In summary, the available evidence is currently insufficient to determine the role of this variant in disease. Therefore, it has been classified as a Variant of Uncertain Significance.

NM_003640.5(ELP1):c.3100G>A (p.Val1034Met)

Gene: ELP1 (elongator acetyltransferase complex subunit 1; minus strand). Cytogenetic location: 9q31.3.
Variant type: single nucleotide variant.
Coding change: c.3100G>A on transcript NM_003640.5 (MANE Select); coding-DNA position 3100, G replaced by A.
Protein change: p.Val1034Met; replaces valine 1034 with methionine.
Molecular consequence: missense variant.
Genome position (GRCh38, 1-based): chr9:108,891,263, C>T on the plus strand (G>A on the coding strand, the complement: ELP1 is on the minus strand). VCF-style: chr9-108891263-C-T. GRCh37 (hg19) VCF-style: chr9-111653543-C-T.
Other names: c.2758G>A, p.Val920Met (NM_001318360.2); c.2053G>A, p.Val685Met (NM_001330749.2); short protein forms V1034M, V685M, V920M.
Identifiers: ClinVar variation 3602650 (VCV003602650.3).